The following is an entry in ClinVar:

ClinVar aggregate classification (germline): Benign. Review status: criteria provided, multiple submitters, no conflicts (2 of 4 stars). 2 submissions from 2 submitters: Benign (2). Last evaluated 2018-06-20.

Allele frequency attached by ClinVar (database versions not stated): 1000 Genomes Project 30x 0.08214; 1000 Genomes Project 0.08347; TOPMed 0.10839; gnomAD 0.11805 and 0.11854; gnomAD exomes 0.13690.
gnomAD v4.1: 120,629 of 905,310 alleles (13%); highest among the groups gnomAD compares: Non-Finnish European, 15%; 8,910 homozygotes.

Submissions (2):

GeneDx
Classification: Benign. Last evaluated: 2018-06-20. Review status: criteria provided, single submitter. Criteria: GeneDx Variant Classification (06012015). Collection method: clinical testing. Allele origin: germline. Affected: yes.
Comment: This variant is considered likely benign or benign based on one or more of the following criteria: it is a conservative change, it occurs at a poorly conserved position in the protein, it is predicted to be benign by multiple in silico algorithms, and/or has population frequency not consistent with disease.

Breakthrough Genomics
Classification: Benign. Review status: criteria provided, single submitter. Criteria: ACMG Guidelines, 2015. Collection method: not provided. Allele origin: germline. Inheritance: Autosomal dominant inheritance. Affected: yes.

NM_022489.4(INF2):c.1736-175C>T

Gene: INF2 (inverted formin 2; plus strand). Cytogenetic location: 14q32.33.
Variant type: single nucleotide variant.
Coding change: c.1736-175C>T on transcript NM_022489.4 (MANE Select); 175 bases into the intron before coding-DNA position 1736, C replaced by T.
Molecular consequence: intron variant.
Genome position (GRCh38, 1-based): chr14:104,708,261, C>T. VCF-style: chr14-104708261-C-T. GRCh37 (hg19) VCF-style: chr14-105174598-C-T.
Other names: c.1736-175C>T (NM_001031714.4).
Identifiers: ClinVar variation 681915 (VCV000681915.2), dbSNP rs113514625, ClinGen allele CA14056440.